The following is an entry in ClinVar:

NM_173630.4(RTTN):c.3137C>T (p.Thr1046Met)

Gene: RTTN (rotatin; minus strand). Cytogenetic location: 18q22.2.
Variant type: single nucleotide variant.
Coding change: c.3137C>T on transcript NM_173630.4 (MANE Select); coding-DNA position 3137, C replaced by T.
Protein change: p.Thr1046Met; replaces threonine 1046 with methionine.
Molecular consequence: missense variant.
Genome position (GRCh38, 1-based): chr18:70,128,364, G>A on the plus strand (C>T on the coding strand, the complement: RTTN is on the minus strand). VCF-style: chr18-70128364-G-A. GRCh37 (hg19) VCF-style: chr18-67795600-G-A.
Other names: c.401C>T, p.Thr134Met (NM_001318520.2); short protein forms T1046M, T134M.
Identifiers: ClinVar variation 451795 (VCV000451795.13), dbSNP rs200976618, ClinGen allele CA8995665.

ClinVar aggregate classification (germline): Uncertain significance. Review status: criteria provided, multiple submitters, no conflicts (2 of 4 stars). 3 submissions from 3 submitters: Uncertain significance (3). Last evaluated 2025-11-10.

Conditions:
Inborn genetic diseases. Identifiers: MedGen C0950123, MeSH D030342.

Allele frequency attached by ClinVar (database versions not stated): gnomAD 0.00010; 1000 Genomes Project 0.00020; ExAC 0.00004; TOPMed 0.00008; 1000 Genomes Project 30x 0.00016.
gnomAD v4.1: 114 of 1,610,226 alleles (0.0071%); highest among the groups gnomAD compares: Middle Eastern, 0.033%; no homozygotes.

Submissions (3):

GeneDx
Classification: Uncertain significance. Last evaluated: 2025-11-10. Review status: criteria provided, single submitter. Criteria: GeneDx Variant Classification Process June 2021. Collection method: clinical testing. Allele origin: germline. Affected: yes.
Comment: Has not been previously published as pathogenic or benign to our knowledge; Not observed at significant frequency in large population cohorts (gnomAD); In silico analysis suggests that this missense variant does not alter protein structure/function

Ambry Genetics
Classification: Uncertain significance for Inborn genetic diseases. Last evaluated: 2025-03-11. Review status: criteria provided, single submitter. Criteria: Ambry Variant Classification Scheme 2023. Collection method: clinical testing. Allele origin: germline.

Labcorp Genetics (formerly Invitae), Labcorp
Classification: Uncertain significance. Last evaluated: 2022-08-07. Review status: criteria provided, single submitter. Criteria: Invitae Variant Classification Sherloc (09022015). Collection method: clinical testing. Allele origin: germline.
Comment: This sequence change replaces threonine, which is neutral and polar, with methionine, which is neutral and non-polar, at codon 1046 of the RTTN protein (p.Thr1046Met). This variant is present in population databases (rs200976618, gnomAD 0.009%). This variant has not been reported in the literature in individuals affected with RTTN-related conditions. ClinVar contains an entry for this variant (Variation ID: 451795). Algorithms developed to predict the effect of missense changes on protein structure and function (SIFT, PolyPhen-2, Align-GVGD) all suggest that this variant is likely to be tolerated. In summary, the available evidence is currently insufficient to determine the role of this variant in disease. Therefore, it has been classified as a Variant of Uncertain Significance.